The following is an entry in ClinVar:

NM_003482.4(KMT2D):c.3903del (p.Lys1301fs)

Genes: KMT2D (lysine methyltransferase 2D; minus strand), LOC126861520 (CDK7 strongly-dependent group 2 enhancer GRCh37_chr12:49442744-49443943; plus strand). Cytogenetic location: 12q13.12.
Variant type: Deletion.
Coding change: c.3903del on transcript NM_003482.4 (MANE Select); coding-DNA position 3903, one base deleted (A; older notation c.3903delA).
Protein change: p.Lys1301fs; shifts the reading frame from lysine 1301.
Molecular consequence: frameshift variant.
Genome position (GRCh38, 1-based): chr12:49,049,685, T deleted on the plus strand (A on the coding strand, the reverse complement: KMT2D is on the minus strand); the first of 3 consecutive T bases (chr12:49,049,685-49,049,687); deleting any one gives the same sequence. VCF-style (leftmost placement, unchanged base first): chr12-49049684-GT-G. GRCh37 (hg19) VCF-style: chr12-49443467-GT-G.
Other names: c.3903delA (NM_003482.3); short protein forms K1301fs.
Identifiers: ClinVar variation 569278 (VCV000569278.2), dbSNP rs1565812092, ClinGen allele CA891843487.
Genomic context (GRCh38, chr12:49,049,684, plus strand): 5'-CTGTACCTCTGACAGTGGGCTAACTCTAATCACATCCCGCAGCTAGATAGCCCCTCACCT[GT>G]TTGATGCGGGAACGGGCTGGGGAGCTGCGCCGCCGCCCCTTCTCCCCCTCAGCTTTGCCT-3'

ClinVar aggregate classification (germline): Pathogenic (1 of 4 stars; one submission).

Conditions:
Kabuki syndrome. Also called: Kabuki make-up syndrome; NIIKAWA-KUROKI SYNDROME. Identifiers: Orphanet 2322, MedGen C0796004, MONDO:0016512.

Submission:

Labcorp Genetics (formerly Invitae), Labcorp
Classification: Pathogenic for Kabuki syndrome. Last evaluated: 2018-02-26. Review status: criteria provided, single submitter. Criteria: Invitae Variant Classification Sherloc (09022015). Collection method: clinical testing. Allele origin: germline.
Comment: This sequence change creates a premature translational stop signal (p.Lys1301Asnfs*29) in the KMT2D gene. It is expected to result in an absent or disrupted protein product. This variant is not present in population databases (ExAC no frequency). This variant has not been reported in the literature in individuals with KMT2D-related disease. Loss-of-function variants in KMT2D are known to be pathogenic (PMID: 22126750). For these reasons, this variant has been classified as Pathogenic.

Literature cited by the submitters: PubMed 22126750.